The following is an entry in ClinVar:

ClinVar aggregate classification (germline): Uncertain significance (1 of 4 stars; one submission).

Allele frequency attached by ClinVar (database versions not stated): TOPMed below 0.00001.

Submission:

GeneDx
Classification: Uncertain significance. Last evaluated: 2022-08-13. Review status: criteria provided, single submitter. Criteria: GeneDx Variant Classification Process June 2021. Collection method: clinical testing. Allele origin: germline. Affected: yes.
Comment: Not observed at significant frequency in large population cohorts (gnomAD); In silico analysis supports that this missense variant has a deleterious effect on protein structure/function; Has not been previously published as pathogenic or benign to our knowledge

NM_014588.6(VSX1):c.813G>A (p.Met271Ile)

Gene: VSX1 (visual system homeobox 1; minus strand). Cytogenetic location: 20p11.21.
Variant type: single nucleotide variant.
Coding change: c.813G>A on transcript NM_014588.6 (MANE Select); coding-DNA position 813, G replaced by A.
Protein change: p.Met271Ile; replaces methionine 271 with isoleucine.
Molecular consequence: missense variant. On other transcripts: non-coding transcript variant (2), intron variant (2).
Genome position (GRCh38, 1-based): chr20:25,076,546, C>T on the plus strand (G>A on the coding strand, the complement: VSX1 is on the minus strand). VCF-style: chr20-25076546-C-T. GRCh37 (hg19) VCF-style: chr20-25057182-C-T.
Other names: c.120G>A, p.Met40Ile (NM_001378633.1); c.627+2283G>A (NM_001256271.2); c.808+1139G>A (NM_001256272.2); short protein forms M271I, M40I.
Identifiers: ClinVar variation 2430436 (VCV002430436.1), dbSNP rs2089495992, ClinGen allele CA408433902.